The following is an entry in ClinVar:

NM_001321120.2(TBX4):c.730C>T (p.Pro244Ser)

Gene: TBX4 (T-box transcription factor 4; plus strand). Cytogenetic location: 17q23.2.
Variant type: single nucleotide variant.
Coding change: c.730C>T on transcript NM_001321120.2 (MANE Select); coding-DNA position 730, C replaced by T.
Protein change: p.Pro244Ser; replaces proline 244 with serine.
Molecular consequence: missense variant.
Genome position (GRCh38, 1-based): chr17:61,479,908, C>T. VCF-style: chr17-61479908-C-T. GRCh37 (hg19) VCF-style: chr17-59557269-C-T.
Other names: c.730C>T, p.Pro244Ser (NM_018488.3); short protein forms P244S.
Identifiers: ClinVar variation 4539902 (VCV004539902.1).

ClinVar aggregate classification (germline): Uncertain significance (1 of 4 stars; one submission).

Submission:

GeneDx
Classification: Uncertain significance. Last evaluated: 2025-06-26. Review status: criteria provided, single submitter. Criteria: GeneDx Variant Classification Process June 2021. Collection method: clinical testing. Allele origin: germline. Affected: yes.
Comment: Not observed at significant frequency in large population cohorts (gnomAD); In silico analysis supports that this missense variant has a deleterious effect on protein structure/function; Has not been previously published as pathogenic or benign to our knowledge